The following is an entry in ClinVar:

NM_152564.5(VPS13B):c.6022A>T (p.Ile2008Phe)

Gene: VPS13B (vacuolar protein sorting 13 homolog B; plus strand). Cytogenetic location: 8q22.2.
Variant type: single nucleotide variant.
Coding change: c.6022A>T on transcript NM_152564.5 (MANE Select); coding-DNA position 6022, A replaced by T.
Protein change: p.Ile2008Phe; replaces isoleucine 2008 with phenylalanine.
Molecular consequence: missense variant.
Genome position (GRCh38, 1-based): chr8:99,661,467, A>T. VCF-style: chr8-99661467-A-T. GRCh37 (hg19) VCF-style: chr8-100673695-A-T.
Other names: c.6097A>T, p.Ile2033Phe (NM_017890.5); short protein forms I2008F, I2033F.
Identifiers: ClinVar variation 991547 (VCV000991547.2), dbSNP rs753483216, ClinGen allele CA4823911.

ClinVar aggregate classification (germline): Uncertain significance. Review status: criteria provided, single submitter (1 of 4 stars). 2 submissions from 2 submitters: Uncertain significance (1). 1 of the submissions does not count toward it. Last evaluated 2024-04-19.

Conditions:
Cohen syndrome (COH1). Also called: PEPPER SYNDROME; Cutis verticis gyrata, retinitis pigmentosa, and sensorineural deafness. Identifiers: Orphanet 193, MedGen C0265223, MONDO:0008999, OMIM 216550.

Allele frequency attached by ClinVar (database versions not stated): gnomAD exomes below 0.00001; ExAC 0.00001; gnomAD 0.00001; TOPMed 0.00001.
gnomAD v4.1: 3 of 1,613,314 alleles (0.00019%); highest among the groups gnomAD compares: Non-Finnish European, 0.00025%; no homozygotes.

Submissions (2):

Women's Health and Genetics/Laboratory Corporation of America, LabCorp
Classification: Uncertain significance. Last evaluated: 2024-04-19. Review status: criteria provided, single submitter. Criteria: LabCorp Variant Classification Summary - May 2015. Collection method: clinical testing. Allele origin: germline.
Comment: Variant summary: VPS13B c.6097A>T (p.Ile2033Phe) results in a non-conservative amino acid change in the encoded protein sequence. Four of five in-silico tools predict a damaging effect of the variant on protein function. The variant allele was found at a frequency of 4e-06 in 250610 control chromosomes. The available data on variant occurrences in the general population are insufficient to allow any conclusion about variant significance. To our knowledge, no occurrence of c.6097A>T in individuals affected with Cohen Syndrome and no experimental evidence demonstrating its impact on protein function have been reported. ClinVar contains an entry for this variant (Variation ID: 991547). Based on the evidence outlined above, the variant was classified as uncertain significance.

Natera, Inc.
Classification: Uncertain significance for Cohen syndrome. Last evaluated: 2020-09-04. Review status: no assertion criteria provided. Collection method: clinical testing. Allele origin: germline. Not counted in ClinVar's aggregate classification.